The following is an entry in ClinVar:

NM_000038.6(APC):c.6815G>T (p.Arg2272Ile)

Gene: APC (APC regulator of Wnt signaling pathway; plus strand). Cytogenetic location: 5q22.2.
Variant type: single nucleotide variant.
Coding change: c.6815G>T on transcript NM_000038.6 (MANE Select); coding-DNA position 6815, G replaced by T.
Protein change: p.Arg2272Ile; replaces arginine 2272 with isoleucine.
Molecular consequence: missense variant. On other transcripts: non-coding transcript variant (2).
Genome position (GRCh38, 1-based): chr5:112,842,409, G>T. VCF-style: chr5-112842409-G-T. GRCh37 (hg19) VCF-style: chr5-112178106-G-T.
Other names: NC_000005.9:g.112178106G>T; c.6815G>T, p.Arg2272Ile (NM_001127510.3, NM_001354895.2, NM_001407450.1); c.6761G>T, p.Arg2254Ile (NM_001127511.3); c.6869G>T, p.Arg2290Ile (NM_001354896.2, NM_001407447.1, NM_001407448.1 and 1 more transcripts); c.6845G>T, p.Arg2282Ile (NM_001354897.2); c.6740G>T, p.Arg2247Ile (NM_001354898.2); c.6731G>T, p.Arg2244Ile (NM_001354899.2); c.6692G>T, p.Arg2231Ile (NM_001354900.2); and 13 more; short protein forms R2143I, R2146I, R2262I, R2282I, R2290I, R1989I, R2181I, R2189I.
Identifiers: ClinVar variation 4309919 (VCV004309919.2).

ClinVar aggregate classification (germline): Uncertain significance (1 of 4 stars; one submission).

Conditions:
Hereditary cancer-predisposing syndrome. Also called: Neoplastic Syndromes, Hereditary; Tumor predisposition; Hereditary Cancer Syndrome; Hereditary neoplastic syndrome. Identifiers: Orphanet 140162, MedGen C0027672, MeSH D009386, MONDO:0015356.

Submissions (2):

Ambry Genetics
Classification: Uncertain significance for Hereditary cancer-predisposing syndrome. Last evaluated: 2026-02-20. Review status: criteria provided, single submitter. Criteria: Ambry Variant Classification Scheme 2023. Collection method: clinical testing. Allele origin: germline.
Comment: The p.R2272I variant (also known as c.6815G>T), located in coding exon 15 of the APC gene, results from a G to T substitution at nucleotide position 6815. The arginine at codon 2272 is replaced by isoleucine, an amino acid with similar properties. This amino acid position is conserved. In addition, in silico predictors for this gene do not accurately predict pathogenicity. Based on the available evidence, the clinical significance of this variant remains unclear.

Dr. Peter K. Rogan Lab, Western University
No classification provided (evidence only). Condition: Thyroid cancer, nonmedullary, 1. Review status: no classification provided. Collection method: in vitro. Allele origin: not applicable. Functional consequence: retained intron. Not counted in ClinVar's aggregate classification.